The following is an entry in ClinVar:

ClinVar aggregate classification (germline): Uncertain significance (1 of 4 stars; one submission).

Conditions:
Arthrogryposis, distal, type 1A. Also called: ARTHROGRYPOSIS MULTIPLEX CONGENITA, DISTAL, TYPE I. Identifiers: Orphanet 1146, MedGen C6022280, MONDO:0007157, OMIM 108120.

Allele frequency attached by ClinVar (database versions not stated): gnomAD exomes below 0.00001; TOPMed below 0.00001.
gnomAD v4.1: 2 of 1,614,084 alleles (0.00012%); highest among the groups gnomAD compares: Admixed American, 0.0033%; no homozygotes.

Submission:

Labcorp Genetics (formerly Invitae), Labcorp
Classification: Uncertain significance for Arthrogryposis, distal, type 1A. Last evaluated: 2023-11-24. Review status: criteria provided, single submitter. Criteria: Invitae Variant Classification Sherloc (09022015). Collection method: clinical testing. Allele origin: germline.
Comment: This sequence change replaces serine, which is neutral and polar, with alanine, which is neutral and non-polar, at codon 215 of the TPM2 protein (p.Ser215Ala). This variant is present in population databases (no rsID available, gnomAD 0.006%). This variant has not been reported in the literature in individuals affected with TPM2-related conditions. Advanced modeling of protein sequence and biophysical properties (such as structural, functional, and spatial information, amino acid conservation, physicochemical variation, residue mobility, and thermodynamic stability) performed at Invitae indicates that this missense variant is not expected to disrupt TPM2 protein function with a negative predictive value of 80%. In summary, the available evidence is currently insufficient to determine the role of this variant in disease. Therefore, it has been classified as a Variant of Uncertain Significance.

NM_003289.4(TPM2):c.643T>G (p.Ser215Ala)

Gene: TPM2 (tropomyosin 2; minus strand). Cytogenetic location: 9p13.3.
Variant type: single nucleotide variant.
Coding change: c.643T>G on transcript NM_003289.4 (MANE Select); coding-DNA position 643, T replaced by G.
Protein change: p.Ser215Ala; replaces serine 215 with alanine.
Molecular consequence: missense variant.
Genome position (GRCh38, 1-based): chr9:35,684,547, A>C on the plus strand (T>G on the coding strand, the complement: TPM2 is on the minus strand). VCF-style: chr9-35684547-A-C. GRCh37 (hg19) VCF-style: chr9-35684544-A-C.
Other names: c.643T>G, p.Ser215Ala (NM_001301226.2, NM_001301227.2, NM_213674.1); short protein forms S215A.
Identifiers: ClinVar variation 2887324 (VCV002887324.3), dbSNP rs1189278905, ClinGen allele CA373364930.